The following is an entry in ClinVar:

NM_015178.3(RHOBTB2):c.14T>C (p.Met5Thr)

Gene: RHOBTB2 (Rho related BTB domain containing 2; plus strand). Cytogenetic location: 8p21.3.
Variant type: single nucleotide variant.
Coding change: c.14T>C on transcript NM_015178.3 (MANE Select); coding-DNA position 14, T replaced by C.
Protein change: p.Met5Thr; replaces methionine 5 with threonine.
Molecular consequence: missense variant.
Genome position (GRCh38, 1-based): chr8:23,004,448, T>C. VCF-style: chr8-23004448-T-C. GRCh37 (hg19) VCF-style: chr8-22861961-T-C.
Other names: c.80T>C, p.Met27Thr (NM_001160036.2); c.35T>C, p.Met12Thr (NM_001160037.2); c.14T>C, p.Met5Thr (NM_001374791.1); short protein forms M5T, M12T, M27T.
Identifiers: ClinVar variation 4744038 (VCV004744038.1).

ClinVar aggregate classification (germline): Uncertain significance (1 of 4 stars; one submission).

gnomAD v4.1: 2 of 1,614,090 alleles (0.00012%); highest among the groups gnomAD compares: Non-Finnish European, 0.00017%; no homozygotes.

Submission:

Labcorp Genetics (formerly Invitae), Labcorp
Classification: Uncertain significance. Last evaluated: 2025-09-30. Review status: criteria provided, single submitter. Criteria: Invitae Variant Classification Sherloc (09022015). Collection method: clinical testing. Allele origin: germline.
Comment: This sequence change replaces methionine, which is neutral and non-polar, with threonine, which is neutral and polar, at codon 27 of the RHOBTB2 protein (p.Met27Thr). This variant is not present in population databases (gnomAD no frequency). This variant has not been reported in the literature in individuals affected with RHOBTB2-related conditions. Invitae Evidence Modeling of protein sequence and biophysical properties (such as structural, functional, and spatial information, amino acid conservation, physicochemical variation, residue mobility, and thermodynamic stability) indicates that this missense variant is not expected to disrupt RHOBTB2 protein function with a negative predictive value of 80%. In summary, the available evidence is currently insufficient to determine the role of this variant in disease. Therefore, it has been classified as a Variant of Uncertain Significance.